The following is an entry in ClinVar:

NM_006306.4(SMC1A):c.1695G>T (p.Gly565=)

Gene: SMC1A (structural maintenance of chromosomes 1A; minus strand). Cytogenetic location: Xp11.22.
Variant type: single nucleotide variant.
Coding change: c.1695G>T on transcript NM_006306.4 (MANE Select); coding-DNA position 1695, G replaced by T.
Protein change: p.Gly565=; no amino-acid change (glycine 565 retained).
Molecular consequence: synonymous variant.
Genome position (GRCh38, 1-based): chrX:53,405,807, C>A on the plus strand (G>T on the coding strand, the complement: SMC1A is on the minus strand). VCF-style: chrX-53405807-C-A. GRCh37 (hg19) VCF-style: chrX-53432739-C-A.
Other names: c.1629G>T, p.Gly543= (NM_001281463.1).
Identifiers: ClinVar variation 2762155 (VCV002762155.3), dbSNP rs2520930201, ClinGen allele CA516559538.

ClinVar aggregate classification (germline): Uncertain significance (1 of 4 stars; one submission).

Conditions:
Congenital muscular hypertrophy-cerebral syndrome (CDLS2). Also called: Cornelia de Lange syndrome 2; SMC1A-Related Cornelia de Lange Syndrome. Identifiers: Orphanet 199, MedGen C1802395, MONDO:0010370, OMIM 300590.

Submission:

Labcorp Genetics (formerly Invitae), Labcorp
Classification: Uncertain significance for Congenital muscular hypertrophy-cerebral syndrome. Last evaluated: 2023-09-20. Review status: criteria provided, single submitter. Criteria: Invitae Variant Classification Sherloc (09022015). Collection method: clinical testing. Allele origin: germline.
Comment: Algorithms developed to predict the effect of sequence changes on RNA splicing suggest that this variant may create or strengthen a splice site. In summary, the available evidence is currently insufficient to determine the role of this variant in disease. Therefore, it has been classified as a Variant of Uncertain Significance. This variant has not been reported in the literature in individuals affected with SMC1A-related conditions. This variant is not present in population databases (gnomAD no frequency). This sequence change affects codon 565 of the SMC1A mRNA. It is a 'silent' change, meaning that it does not change the encoded amino acid sequence of the SMC1A protein.